The following is an entry in ClinVar:

ClinVar aggregate classification (germline): Benign. Review status: reviewed by expert panel (3 of 4 stars). 2 submissions from 2 submitters: Benign (1). 1 of the submissions does not count toward it. Last evaluated 2015-01-12.

Conditions:
Breast-ovarian cancer, familial, susceptibility to, 2 (BROVCA2). Also called: BRCA2 Hereditary Breast and Ovarian Cancer. Identifiers: Orphanet 145, MedGen C2675520, MONDO:0012933, OMIM 612555. Disease mechanism: loss of function.

Allele frequency attached by ClinVar (database versions not stated): 1000 Genomes Project 30x 0.15756; 1000 Genomes Project 0.16014; TOPMed 0.14416; gnomAD 0.15114 and 0.15533.
gnomAD v4.1: 23,771 of 152,184 alleles (16%); highest among the groups gnomAD compares: South Asian, 23%; 2,340 homozygotes.

Submissions (2):

Evidence-based Network for the Interpretation of Germline Mutant Alleles (ENIGMA)
Classification: Benign for Breast-ovarian cancer, familial 2. Last evaluated: 2015-01-12. Review status: reviewed by expert panel. Criteria: ENIGMA BRCA1/2 Classification Criteria (2015). Collection method: curation. Allele origin: germline.
Comment: Class 1 not pathogenic based on frequency >1% in an outbred sampleset. Frequency 0.229 (Asian), 0.01626 (African), 0.2111 (European), derived from 1000 genomes (2012-04-30).

GeneDx
Classification: Benign. Last evaluated: 2018-06-22. Review status: criteria provided, single submitter. Criteria: GeneDx Variant Classification Process June 2021. Collection method: clinical testing. Allele origin: germline. Affected: yes. Not counted in ClinVar's aggregate classification.

NM_000059.4(BRCA2):c.9501+178A>G

Gene: BRCA2 (BRCA2 DNA repair associated; plus strand). Cytogenetic location: 13q13.1.
Variant type: single nucleotide variant.
Coding change: c.9501+178A>G on transcript NM_000059.4 (MANE Select); 178 bases into the intron after coding-DNA position 9501, A replaced by G.
Molecular consequence: intron variant.
Genome position (GRCh38, 1-based): chr13:32,395,111, A>G. VCF-style: chr13-32395111-A-G. GRCh37 (hg19) VCF-style: chr13-32969248-A-G.
Other names: IVS 25+178A>G.
Identifiers: ClinVar variation 209911 (VCV000209911.3), dbSNP rs206343, ClinGen allele CA276879.